The following is an entry in ClinVar:

NM_002430.3(MN1):c.3274G>A (p.Gly1092Arg)

Gene: MN1 (MN1 proto-oncogene, transcriptional regulator; minus strand). Cytogenetic location: 22q12.1.
Variant type: single nucleotide variant.
Coding change: c.3274G>A on transcript NM_002430.3 (MANE Select); coding-DNA position 3274, G replaced by A.
Protein change: p.Gly1092Arg; replaces glycine 1092 with arginine.
Molecular consequence: missense variant.
Genome position (GRCh38, 1-based): chr22:27,797,270, C>T on the plus strand (G>A on the coding strand, the complement: MN1 is on the minus strand). VCF-style: chr22-27797270-C-T. GRCh37 (hg19) VCF-style: chr22-28193258-C-T.
Other names: short protein forms G1092R.
Identifiers: ClinVar variation 998203 (VCV000998203.2), dbSNP rs771925230, ClinGen allele CA10166087.

ClinVar aggregate classification (germline): Uncertain significance. Review status: criteria provided, multiple submitters, no conflicts (2 of 4 stars). 2 submissions from 2 submitters: Uncertain significance (2). Last evaluated 2025-11-26.

Conditions:
Inborn genetic diseases. Identifiers: MedGen C0950123, MeSH D030342.
Familial meningioma. Also called: Meningioma, familial, susceptibility to. Identifiers: Orphanet 263662, MedGen C3551915, MONDO:0011789, OMIM 607174.

Allele frequency attached by ClinVar (database versions not stated): ExAC 0.00008; gnomAD exomes 0.00001 and 0.00002; TOPMed below 0.00001.
gnomAD v4.1: 19 of 1,589,526 alleles (0.0012%); highest among the groups gnomAD compares: Middle Eastern, 0.017%; no homozygotes.

Submissions (2):

Ambry Genetics
Classification: Uncertain significance for Inborn genetic diseases. Last evaluated: 2025-11-26. Review status: criteria provided, single submitter. Criteria: Ambry Variant Classification Scheme 2023. Collection method: clinical testing. Allele origin: germline.

Baylor Genetics
Classification: Uncertain significance for Familial meningioma. Last evaluated: 2018-11-03. Review status: criteria provided, single submitter. Criteria: ACMG Guidelines, 2015. Collection method: clinical testing. Allele origin: unknown. Affected: yes. Study: CSER-TexasKidsCanSeq.
Comment: This variant was determined to be of uncertain significance according to ACMG Guidelines, 2015 [PMID:25741868].